The following is an entry in ClinVar:

NM_203447.4(DOCK8):c.4154-1G>C

Gene: DOCK8 (dedicator of cytokinesis 8; plus strand). Cytogenetic location: 9p24.3.
Variant type: single nucleotide variant.
Coding change: c.4154-1G>C on transcript NM_203447.4 (MANE Select); the canonical splice acceptor site of the intron before coding-DNA position 4154, G replaced by C.
Molecular consequence: splice acceptor variant.
Genome position (GRCh38, 1-based): chr9:422,047, G>C. VCF-style: chr9-422047-G-C. GRCh37 (hg19) VCF-style: chr9-422047-G-C.
Other names: c.3854-1G>C (NM_001190458.2); c.3950-1G>C (NM_001193536.2).
Identifiers: ClinVar variation 3256925 (VCV003256925.1).

ClinVar aggregate classification (germline): Likely pathogenic (1 of 4 stars; one submission).

Conditions:
Susceptibility to severe COVID-19.

Submission:

Molecular Medicine Center, Medical University of Sofia
Classification: Likely pathogenic for Susceptibility to severe COVID-19. Last evaluated: 2024-07-22. Review status: criteria provided, single submitter. Criteria: ACMG Guidelines, 2015. Collection method: research. Allele origin: germline. Affected: yes.
Comment: Novel (unreported in gnomAD or dbSNP until April 2024) variant found in severely infected COVID-19 Bulgarian patients in a research study. Variant is classified as likely pathogenic according to the ACMG criteria: PM2,PVS1.